The following is an entry in ClinVar:

ClinVar aggregate classification (germline): Benign/Likely benign. Review status: criteria provided, multiple submitters, no conflicts (2 of 4 stars). 6 submissions from 6 submitters: Benign (2); Likely benign (4). Last evaluated 2026-01-25.

Conditions:
Cerebellar ataxia, impaired intellectual development, and dysequilibrium syndrome 1. Also called: VLDLR Cerebellar Hypoplasia; Cerebellar hypoplasia and mental retardation with or without quadrupedal locomotion 1; Cerebellar ataxia, intellectual disability, and dysequilibrium syndrome 1; Cerebellar ataxia, mental retardation, and dysequilibrium syndrome 1; CEREBELLAR ATAXIA AND MENTAL RETARDATION WITH OR WITHOUT QUADRUPEDAL LOCOMOTION 1; CEREBELLAR ATAXIA, CONGENITAL, AND MENTAL RETARDATION, AUTOSOMAL RECESSIVE. Identifiers: Orphanet 1766, MedGen C4551552, MONDO:0024542, OMIM 224050.

Allele frequency attached by ClinVar (database versions not stated): gnomAD 0.00026 and 0.00058; ESP Exome Variant Server 0.00031; TOPMed 0.00033; gnomAD exomes 0.00101 and 0.00147; ExAC 0.00165; 1000 Genomes Project 30x 0.00250; 1000 Genomes Project 0.00319.

Submissions (6):

Labcorp Genetics (formerly Invitae), Labcorp
Classification: Benign. Last evaluated: 2026-01-25. Review status: criteria provided, single submitter. Criteria: Invitae Variant Classification Sherloc (09022015). Collection method: clinical testing. Allele origin: germline.

Blueprint Genetics
Classification: Likely benign. Last evaluated: 2024-11-04. Review status: criteria provided, single submitter. Criteria: ACMG Guidelines, 2015. Collection method: clinical testing. Allele origin: germline.

CeGaT Center for Human Genetics Tuebingen
Classification: Likely benign. Last evaluated: 2024-05-01. Review status: criteria provided, single submitter. Criteria: CeGaT Center For Human Genetics Tuebingen Variant Classification Criteria Version 2. Collection method: clinical testing. Allele origin: germline. Affected: yes. Observed: 3 variant alleles.
Comment: VLDLR: BP4, BP7, BS2

GeneDx
Classification: Likely benign. Last evaluated: 2021-02-08. Review status: criteria provided, single submitter. Criteria: GeneDx Variant Classification Process June 2021. Collection method: clinical testing. Allele origin: germline. Affected: yes.

Illumina Laboratory Services, Illumina
Classification: Likely benign for Cerebellar ataxia, impaired intellectual development, and dysequilibrium syndrome 1. Last evaluated: 2018-01-12. Review status: criteria provided, single submitter. Criteria: ICSL Variant Classification Criteria 13 December 2019. Collection method: clinical testing. Allele origin: germline.
Comment: This variant was observed in the ICSL laboratory as part of a predisposition screen in an ostensibly healthy population. It had not been previously curated by ICSL or reported in the Human Gene Mutation Database (HGMD: prior to June 1st, 2018), and was therefore a candidate for classification through an automated scoring system. Utilizing variant allele frequency, disease prevalence and penetrance estimates, and inheritance mode, an automated score was calculated to assess if this variant is too frequent to cause the disease. Based on the score and internal cut-off values, a variant classified as likely benign is not then subjected to further curation. The score for this variant resulted in a classification of likely benign for this disease.

Genetic Services Laboratory, University of Chicago
Classification: Benign. Last evaluated: 2016-11-22. Review status: criteria provided, single submitter. Criteria: ACMG Guidelines, 2015. Collection method: clinical testing. Allele origin: germline. Affected: no.

NM_003383.5(VLDLR):c.954C>T (p.Cys318=)

Gene: VLDLR (very low density lipoprotein receptor; plus strand). Cytogenetic location: 9p24.2.
Variant type: single nucleotide variant.
Coding change: c.954C>T on transcript NM_003383.5 (MANE Select); coding-DNA position 954, C replaced by T.
Protein change: p.Cys318=; no amino-acid change (cysteine 318 retained).
Molecular consequence: synonymous variant.
Genome position (GRCh38, 1-based): chr9:2,643,847, C>T. VCF-style: chr9-2643847-C-T. GRCh37 (hg19) VCF-style: chr9-2643847-C-T.
Other names: c.954C>T, p.Cys318= (NM_001018056.3); c.831C>T, p.Cys277= (NM_001322225.2, NM_001322226.2).
Identifiers: ClinVar variation 212566 (VCV000212566.44), dbSNP rs373943845, ClinGen allele CA207602.
Genomic context (GRCh38, chr9:2,643,847, plus strand): 5'-CTCTGACCAGACCCACTCATGGAATCTCTCTTCTTTGTTTCTCTTTGTAGTCAATCAGTG[C>T]TTGGGCCCTGGAAAATTCAAGTGCAGAAGTGGAGAATGCATAGATATCAGCAAAGTATGT-3'
Protein context (NP_003374.3, residues 308-328): DEVNCKNVNQ[Cys318=]LGPGKFKCRS